The following is an entry in ClinVar:

NM_001370259.2(MEN1):c.491C>A (p.Ala164Asp)

Gene: MEN1 (menin 1; minus strand). Cytogenetic location: 11q13.1.
Variant type: single nucleotide variant.
Coding change: c.491C>A on transcript NM_001370259.2 (MANE Select); coding-DNA position 491, C replaced by A.
Protein change: p.Ala164Asp; replaces alanine 164 with aspartic acid.
Molecular consequence: missense variant.
Genome position (GRCh38, 1-based): chr11:64,808,054, G>T on the plus strand (C>A on the coding strand, the complement: MEN1 is on the minus strand). VCF-style: chr11-64808054-G-T. GRCh37 (hg19) VCF-style: chr11-64575526-G-T.
Other names: c.506C>A, p.Ala169Asp (NM_000244.4, NM_130800.3, NM_130801.3 and 3 more transcripts); c.491C>A, p.Ala164Asp (NM_001370251.2, NM_001370260.2, NM_001370261.2 and 3 more transcripts); short protein forms A169D, A164D.
Identifiers: ClinVar variation 948764 (VCV000948764.10), dbSNP rs1565648547, ClinGen allele CA381186121.

ClinVar aggregate classification (germline): Pathogenic. Review status: criteria provided, multiple submitters, no conflicts (2 of 4 stars). 2 submissions from 2 submitters: Pathogenic (2). Last evaluated 2025-07-31.

Conditions:
Hereditary cancer-predisposing syndrome. Also called: Neoplastic Syndromes, Hereditary; Hereditary neoplastic syndrome; Hereditary Cancer Syndrome; Tumor predisposition. Identifiers: Orphanet 140162, MedGen C0027672, MeSH D009386, MONDO:0015356.
Multiple endocrine neoplasia, type 1 (MEN1). Also called: MEN I; WERMER SYNDROME; Endocrine adenomatosis multiple; MEN 1; MEA I. Identifiers: Orphanet 652, MedGen C0025267, MeSH D018761, MONDO:0007540, OMIM 131100.

Allele frequency attached by ClinVar (database versions not stated): TOPMed below 0.00001; gnomAD 0.00001.

Submissions (2):

Labcorp Genetics (formerly Invitae), Labcorp
Classification: Pathogenic for Multiple endocrine neoplasia, type 1. Last evaluated: 2025-07-31. Review status: criteria provided, single submitter. Criteria: Invitae Variant Classification Sherloc (09022015). Collection method: clinical testing. Allele origin: germline.
Comment: This sequence change replaces alanine, which is neutral and non-polar, with aspartic acid, which is acidic and polar, at codon 164 of the MEN1 protein (p.Ala164Asp). This variant is not present in population databases (gnomAD no frequency). This missense change has been observed in individuals with multiple endocrine neoplasia type 1 (PMID: 9463336, 12112656, 20231234, 25309785). ClinVar contains an entry for this variant (Variation ID: 948764). Invitae Evidence Modeling of protein sequence and biophysical properties (such as structural, functional, and spatial information, amino acid conservation, physicochemical variation, residue mobility, and thermodynamic stability) indicates that this missense variant is expected to disrupt MEN1 protein function with a positive predictive value of 95%. Experimental studies have shown that this missense change does not substantially affect MEN1 function (PMID: 12509449). For these reasons, this variant has been classified as Pathogenic.

Ambry Genetics
Classification: Pathogenic for Hereditary cancer-predisposing syndrome. Last evaluated: 2024-11-19. Review status: criteria provided, single submitter. Criteria: Ambry Variant Classification Scheme 2023. Collection method: clinical testing. Allele origin: germline.
Comment: The p.A164D pathogenic mutation (also known as c.491C>A), located in coding exon 2 of the MEN1 gene, results from a C to A substitution at nucleotide position 491. The alanine at codon 164 is replaced by aspartic acid, an amino acid with dissimilar properties. This variant has been reported in multiple individuals with a clinical diagnosis of or clinical features consistent with multiple endocrine neoplasia type 1 (Bassett JH et al. Am J Hum Genet, 1998 Feb;62:232-44; Wautot V et al. Hum Mutat, 2002 Jul;20:35-47; White HD et al. QJM, 2010 May;103:337-45; Chung YJ et al. Endocrinol Metab (Seoul), 2014 Sep;29:270-9; Ambry internal data). Functional studies demonstrated that this variant abrogates menin binding to NMHC II-A (Obungu VH et al. Oncogene, 2003 Sep;22:6347-58). This amino acid position is highly conserved in available vertebrate species. In addition, this alteration is predicted to be deleterious by in silico analysis. This variant is considered to be rare based on population cohorts in the Genome Aggregation Database (gnomAD). Based on the supporting evidence, this variant is interpreted as a disease-causing mutation.

Literature cited by the submitters: PubMed 9463336 (cited by Labcorp Genetics (formerly Invitae), Labcorp and Ambry Genetics); PubMed 12112656 (cited by Labcorp Genetics (formerly Invitae), Labcorp and Ambry Genetics); PubMed 20231234 (cited by Labcorp Genetics (formerly Invitae), Labcorp and Ambry Genetics); PubMed 25309785 (cited by Labcorp Genetics (formerly Invitae), Labcorp and Ambry Genetics); PubMed 12509449 (cited by Labcorp Genetics (formerly Invitae), Labcorp); PubMed 14508515 (cited by Ambry Genetics).